The following is an entry in ClinVar:

ClinVar aggregate classification (germline): Uncertain significance. Review status: criteria provided, multiple submitters, no conflicts (2 of 4 stars). 2 submissions from 2 submitters: Uncertain significance (2). Last evaluated 2025-11-03.

Conditions:
Inborn genetic diseases. Identifiers: MedGen C0950123, MeSH D030342.
Charcot-Marie-Tooth disease type 4A. Also called: Charcot-Marie-Tooth disease, demyelinating, autosomal recessive, type 4a. Identifiers: Orphanet 99948, MedGen C1859198, MONDO:0008961, OMIM 214400.

Allele frequency attached by ClinVar (database versions not stated): gnomAD exomes below 0.00001; gnomAD 0.00001.
gnomAD v4.1: 2 of 1,363,288 alleles (0.00015%); highest among the groups gnomAD compares: Non-Finnish European, 0.00021%; no homozygotes.

Submissions (2):

Labcorp Genetics (formerly Invitae), Labcorp
Classification: Uncertain significance for Charcot-Marie-Tooth disease type 4A. Last evaluated: 2025-11-03. Review status: criteria provided, single submitter. Criteria: Invitae Variant Classification Sherloc (09022015). Collection method: clinical testing. Allele origin: germline.
Comment: This sequence change replaces threonine, which is neutral and polar, with serine, which is neutral and polar, at codon 230 of the GDAP1 protein (p.Thr230Ser). This variant is not present in population databases (gnomAD no frequency). This variant has not been reported in the literature in individuals affected with GDAP1-related conditions. ClinVar contains an entry for this variant (Variation ID: 1756027). Invitae Evidence Modeling of protein sequence and biophysical properties (such as structural, functional, and spatial information, amino acid conservation, physicochemical variation, residue mobility, and thermodynamic stability) indicates that this missense variant is expected to disrupt GDAP1 protein function with a positive predictive value of 95%. In summary, the available evidence is currently insufficient to determine the role of this variant in disease. Therefore, it has been classified as a Variant of Uncertain Significance.

Ambry Genetics
Classification: Uncertain significance for Inborn genetic diseases. Last evaluated: 2019-11-19. Review status: criteria provided, single submitter. Criteria: Ambry Variant Classification Scheme 2023. Collection method: clinical testing. Allele origin: germline.
Comment: The p.T230S variant (also known as c.689C>G), located in coding exon 5 of the GDAP1 gene, results from a C to G substitution at nucleotide position 689. The threonine at codon 230 is replaced by serine, an amino acid with similar properties. This amino acid position is well conserved in available vertebrate species. In addition, the in silico prediction for this alteration is inconclusive. Since supporting evidence is limited at this time, the clinical significance of this alteration remains unclear.

NM_018972.4(GDAP1):c.689C>G (p.Thr230Ser)

Gene: GDAP1 (ganglioside induced differentiation associated protein 1; plus strand). Cytogenetic location: 8q21.11.
Variant type: single nucleotide variant.
Coding change: c.689C>G on transcript NM_018972.4 (MANE Select); coding-DNA position 689, C replaced by G.
Protein change: p.Thr230Ser; replaces threonine 230 with serine.
Molecular consequence: missense variant.
Genome position (GRCh38, 1-based): chr8:74,363,048, C>G. VCF-style: chr8-74363048-C-G. GRCh37 (hg19) VCF-style: chr8-75275283-C-G.
Other names: c.485C>G, p.Thr162Ser (NM_001040875.4); c.362C>G, p.Thr121Ser (NM_001362929.2, NM_001362932.2); c.515C>G, p.Thr172Ser (NM_001362930.2); c.689C>G, p.Thr230Ser (NM_001362931.2); short protein forms T230S, T121S, T172S, T162S.
Identifiers: ClinVar variation 1756027 (VCV001756027.5), dbSNP rs1809452126, ClinGen allele CA371549698.